The following is an entry in ClinVar:

NM_032575.3(GLIS2):c.864T>C (p.Tyr288=)

Gene: GLIS2 (GLIS family zinc finger 2; plus strand). Cytogenetic location: 16p13.3.
Variant type: single nucleotide variant.
Coding change: c.864T>C on transcript NM_032575.3 (MANE Select); coding-DNA position 864, T replaced by C.
Protein change: p.Tyr288=; no amino-acid change (tyrosine 288 retained).
Molecular consequence: synonymous variant.
Genome position (GRCh38, 1-based): chr16:4,336,813, T>C. VCF-style: chr16-4336813-T-C. GRCh37 (hg19) VCF-style: chr16-4386814-T-C.
Other names: p.Tyr288=; c.864T>C, p.Tyr288= (NM_001318918.2).
Identifiers: ClinVar variation 96224 (VCV000096224.31), dbSNP rs669561, ClinGen allele CA251330.

ClinVar aggregate classification (germline): Benign. Review status: criteria provided, multiple submitters, no conflicts (2 of 4 stars). 11 submissions from 11 submitters: Benign (9). 2 of the submissions do not count toward it. Last evaluated 2026-02-04.

Conditions:
Nephronophthisis 7 (NPHP7). Identifiers: Orphanet 655, MedGen C1969092, MONDO:0012680, OMIM 611498.
Nephronophthisis. Also called: Juvenile Nephronophthisis. Identifiers: Orphanet 655, MedGen C0687120, MONDO:0019005, HP:0000090.

Allele frequency attached by ClinVar (database versions not stated): gnomAD exomes 0.97139 and 0.97975; ESP Exome Variant Server 0.97498; ExAC 0.97962; gnomAD 0.97986 and 0.98068; TOPMed 0.98089; 1000 Genomes Project 0.99121; 1000 Genomes Project 30x 0.99141.
gnomAD v4.1: 1,568,422 of 1,613,022 alleles (97%); highest among the groups gnomAD compares: East Asian, 100%; 762,627 homozygotes.

Submissions (11):

Labcorp Genetics (formerly Invitae), Labcorp
Classification: Benign for Nephronophthisis. Last evaluated: 2026-02-04. Review status: criteria provided, single submitter. Criteria: Invitae Variant Classification Sherloc (09022015). Collection method: clinical testing. Allele origin: germline.

Blueprint Genetics
Classification: Benign. Last evaluated: 2024-11-27. Review status: criteria provided, single submitter. Criteria: ACMG Guidelines, 2015. Collection method: clinical testing. Allele origin: germline.

Mayo Clinic Laboratories, Mayo Clinic
Classification: Benign. Last evaluated: 2022-03-09. Review status: criteria provided, single submitter. Criteria: ACMG Guidelines, 2015. Collection method: clinical testing. Allele origin: germline. Observed: 179 variant alleles.

Genome-Nilou Lab
Classification: Benign for Nephronophthisis 7. Last evaluated: 2021-08-10. Review status: criteria provided, single submitter. Criteria: ACMG Guidelines, 2015. Collection method: clinical testing. Allele origin: germline. Affected: no.

GeneDx
Classification: Benign. Last evaluated: 2018-07-05. Review status: criteria provided, single submitter. Criteria: GeneDx Variant Classification Process June 2021. Collection method: clinical testing. Allele origin: germline. Affected: yes.

Illumina Laboratory Services, Illumina
Classification: Benign for Nephronophthisis 7. Last evaluated: 2018-01-13. Review status: criteria provided, single submitter. Criteria: ICSL Variant Classification Criteria 13 December 2019. Collection method: clinical testing. Allele origin: germline.
Comment: This variant was observed in the ICSL laboratory as part of a predisposition screen in an ostensibly healthy population. It had not been previously curated by ICSL or reported in the Human Gene Mutation Database (HGMD: prior to June 1st, 2018), and was therefore a candidate for classification through an automated scoring system. Utilizing variant allele frequency, disease prevalence and penetrance estimates, and inheritance mode, an automated score was calculated to assess if this variant is too frequent to cause the disease. Based on the score and internal cut-off values, a variant classified as benign is not then subjected to further curation. The score for this variant resulted in a classification of benign for this disease.

Eurofins Ntd Llc (ga)
Classification: Benign. Last evaluated: 2013-04-05. Review status: criteria provided, single submitter. Criteria: EGL Classification Definitions 2015. Collection method: clinical testing. Allele origin: germline. Observed: 5 variant alleles, 1 heterozygote, 4 homozygotes.

Breakthrough Genomics
Classification: Benign. Review status: criteria provided, single submitter. Criteria: ACMG Guidelines, 2015. Collection method: not provided. Allele origin: germline. Inheritance: Unknown mechanism. Affected: yes.

PreventionGenetics, part of Exact Sciences
Classification: Benign. Review status: criteria provided, single submitter. Criteria: ACMG Guidelines, 2015. Collection method: clinical testing. Allele origin: germline.

Diagnostic Laboratory, Department of Genetics, University Medical Center Groningen
Classification: Benign. Review status: no assertion criteria provided. Collection method: clinical testing. Allele origin: germline. Affected: yes. Study: VKGL Data-share Consensus. Not counted in ClinVar's aggregate classification.

Joint Genome Diagnostic Labs from Nijmegen and Maastricht, Radboudumc and MUMC+
Classification: Benign. Review status: no assertion criteria provided. Collection method: clinical testing. Allele origin: germline. Affected: yes. Study: VKGL Data-share Consensus. Not counted in ClinVar's aggregate classification.